The following is an entry in ClinVar:

ClinVar aggregate classification (germline): Uncertain significance (1 of 4 stars; one submission).

Submission:

Ambry Genetics
Classification: Uncertain significance. Last evaluated: 2022-07-26. Review status: criteria provided, single submitter. Criteria: Ambry Variant Classification Scheme 2023. Collection method: clinical testing. Allele origin: germline.
Comment: The p.D1773N variant (also known as c.5317G>A), located in coding exon 4 of the ALPK2 gene, results from a G to A substitution at nucleotide position 5317. The aspartic acid at codon 1773 is replaced by asparagine, an amino acid with highly similar properties. This amino acid position is conserved. In addition, this alteration is predicted to be tolerated by in silico analysis. Since supporting evidence is limited at this time, the clinical significance of this alteration remains unclear.

NM_052947.4(ALPK2):c.5317G>A (p.Asp1773Asn)

Genes: ALPK2 (alpha kinase 2; minus strand), LOC130062577 (ATAC-STARR-seq lymphoblastoid active region 13389; plus strand). Cytogenetic location: 18q21.31.
Variant type: single nucleotide variant.
Coding change: c.5317G>A on transcript NM_052947.4 (MANE Select); coding-DNA position 5317, G replaced by A.
Protein change: p.Asp1773Asn; replaces aspartic acid 1773 with asparagine.
Molecular consequence: missense variant.
Genome position (GRCh38, 1-based): chr18:58,534,870, C>T on the plus strand (G>A on the coding strand, the complement: ALPK2 is on the minus strand). VCF-style: chr18-58534870-C-T. GRCh37 (hg19) VCF-style: chr18-56202102-C-T.
Other names: short protein forms D1773N.
Identifiers: ClinVar variation 1746792 (VCV001746792.2), dbSNP rs1451093743, ClinGen allele CA402557069.